The following is an entry in ClinVar:

NM_002291.3(LAMB1):c.3422C>T (p.Thr1141Met)

Gene: LAMB1 (laminin subunit beta 1; minus strand). Cytogenetic location: 7q31.1.
Variant type: single nucleotide variant.
Coding change: c.3422C>T on transcript NM_002291.3 (MANE Select); coding-DNA position 3422, C replaced by T.
Protein change: p.Thr1141Met; replaces threonine 1141 with methionine.
Molecular consequence: missense variant.
Genome position (GRCh38, 1-based): chr7:107,940,328, G>A on the plus strand (C>T on the coding strand, the complement: LAMB1 is on the minus strand). VCF-style: chr7-107940328-G-A. GRCh37 (hg19) VCF-style: chr7-107580773-G-A.
Other names: short protein forms T1141M.
Identifiers: ClinVar variation 977874 (VCV000977874.6), dbSNP rs142551567, ClinGen allele CA4435314.

ClinVar aggregate classification (germline): Uncertain significance. Review status: criteria provided, multiple submitters, no conflicts (2 of 4 stars). 3 submissions from 3 submitters: Uncertain significance (2). 1 of the submissions does not count toward it. Last evaluated 2024-02-02.

Conditions:
Cobblestone lissencephaly without muscular or ocular involvement. Also called: LEUKOENCEPHALOPATHY WITH VARIABLE CORTICAL BRAIN MALFORMATIONS AND/OR HYDROCEPHALUS; Lissencephaly 5. Identifiers: Orphanet 352682, MedGen C3554657, MONDO:0014077, OMIM 615191.
Inborn genetic diseases. Identifiers: MedGen C0950123, MeSH D030342.

Allele frequency attached by ClinVar (database versions not stated): gnomAD exomes 0.00002; ESP Exome Variant Server 0.00015; ExAC 0.00006; TOPMed 0.00017; 1000 Genomes Project 30x 0.00031; 1000 Genomes Project 0.00020; gnomAD 0.00015.
gnomAD v4.1: 64 of 1,614,024 alleles (0.004%); highest among the groups gnomAD compares: Admixed American, 0.042%; no homozygotes.

Submissions (3):

Labcorp Genetics (formerly Invitae), Labcorp
Classification: Uncertain significance. Last evaluated: 2024-02-02. Review status: criteria provided, single submitter. Criteria: Invitae Variant Classification Sherloc (09022015). Collection method: clinical testing. Allele origin: germline.
Comment: This sequence change replaces threonine, which is neutral and polar, with methionine, which is neutral and non-polar, at codon 1141 of the LAMB1 protein (p.Thr1141Met). This variant is present in population databases (rs142551567, gnomAD 0.04%). This variant has not been reported in the literature in individuals affected with LAMB1-related conditions. ClinVar contains an entry for this variant (Variation ID: 977874). An algorithm developed to predict the effect of missense changes on protein structure and function (PolyPhen-2) suggests that this variant is likely to be disruptive. In summary, the available evidence is currently insufficient to determine the role of this variant in disease. Therefore, it has been classified as a Variant of Uncertain Significance.

Ambry Genetics
Classification: Uncertain significance for Inborn genetic diseases. Last evaluated: 2024-01-23. Review status: criteria provided, single submitter. Criteria: Ambry Variant Classification Scheme 2023. Collection method: clinical testing. Allele origin: germline.

Service de Génétique Moléculaire, Hôpital Robert Debré
Classification: Likely benign for Cobblestone lissencephaly without muscular or ocular involvement. Review status: no assertion criteria provided. Collection method: clinical testing. Allele origin: unknown. Affected: yes. Not counted in ClinVar's aggregate classification.